The following is an entry in ClinVar:

NM_004004.6(GJB2):c.*1277T>C

Gene: GJB2 (gap junction protein beta 2; minus strand). Cytogenetic location: 13q12.11.
Variant type: single nucleotide variant.
Coding change: c.*1277T>C on transcript NM_004004.6 (MANE Select); 1277 bases downstream of the stop codon, T replaced by C.
Molecular consequence: 3 prime UTR variant.
Genome position (GRCh38, 1-based): chr13:20,187,624, A>G on the plus strand (T>C on the coding strand, the complement: GJB2 is on the minus strand). VCF-style: chr13-20187624-A-G. GRCh37 (hg19) VCF-style: chr13-20761763-A-G.
Identifiers: ClinVar variation 311353 (VCV000311353.6), dbSNP rs7988691, ClinGen allele CA10643936.

ClinVar aggregate classification (germline): Benign. Review status: criteria provided, multiple submitters, no conflicts (2 of 4 stars). 4 submissions from 2 submitters: Benign (4). Last evaluated 2018-01-13.

Conditions:
Autosomal recessive nonsyndromic hearing loss 1A (DFNB1A). Also called: GJB6-Related DFNB 1 Nonsyndromic Hearing Loss and Deafness; Deafness, autosomal recessive 1A; Nonsyndromic Hearing Loss and Deafness, DFNB1; GJB2-Related Autosomal Recessive Nonsyndromic Hearing Loss; Connexin 26 deafness; Deafness nonsyndromic, Connexin 26 linked. Identifiers: Orphanet 90636, MedGen C2673759, MONDO:0009076, OMIM 220290.
Ichthyosis, hystrix-like, with hearing loss. Also called: Hystrix-like ichthyosis with deafness. Identifiers: Orphanet 477, MedGen C1865234, MONDO:0011245.
Autosomal dominant nonsyndromic hearing loss 3A. Identifiers: Orphanet 90635, MedGen C2675750, MONDO:0011103, OMIM 601544.

Allele frequency attached by ClinVar (database versions not stated): 1000 Genomes Project 0.99720; 1000 Genomes Project 30x 0.99641; TOPMed 0.99739; gnomAD 0.99748 and 0.99765.

Submissions (4):

Illumina Laboratory Services, Illumina
Classification: Benign for Autosomal dominant keratitis-ichthyosis-hearing loss syndrome. Last evaluated: 2018-01-13. Review status: criteria provided, single submitter. Criteria: ICSL Variant Classification Criteria 13 December 2019. Collection method: clinical testing. Allele origin: germline.
Comment: This variant was observed in the ICSL laboratory as part of a predisposition screen in an ostensibly healthy population. It had not been previously curated by ICSL or reported in the Human Gene Mutation Database (HGMD: prior to June 1st, 2018), and was therefore a candidate for classification through an automated scoring system. Utilizing variant allele frequency, disease prevalence and penetrance estimates, and inheritance mode, an automated score was calculated to assess if this variant is too frequent to cause the disease. Based on the score and internal cut-off values, a variant classified as benign is not then subjected to further curation. The score for this variant resulted in a classification of benign for this disease.

Illumina Laboratory Services, Illumina
Classification: Benign for Autosomal recessive nonsyndromic hearing loss 1A. Last evaluated: 2018-01-13. Review status: criteria provided, single submitter. Criteria: ICSL Variant Classification Criteria 13 December 2019. Collection method: clinical testing. Allele origin: germline.
Comment: the same text as in the submission from Illumina Laboratory Services, Illumina above.

Illumina Laboratory Services, Illumina
Classification: Benign for Autosomal dominant nonsyndromic hearing loss 3A. Last evaluated: 2018-01-13. Review status: criteria provided, single submitter. Criteria: ICSL Variant Classification Criteria 13 December 2019. Collection method: clinical testing. Allele origin: germline.
Comment: the same text as in the submission from Illumina Laboratory Services, Illumina above.

Breakthrough Genomics
Classification: Benign. Review status: criteria provided, single submitter. Criteria: ACMG Guidelines, 2015. Collection method: not provided. Allele origin: germline. Inheritance: Autosomal recessive inheritance. Affected: yes.